The following is an entry in ClinVar:

NM_003482.4(KMT2D):c.4935G>A (p.Leu1645=)

Gene: KMT2D (lysine methyltransferase 2D; minus strand). Cytogenetic location: 12q13.12.
Variant type: single nucleotide variant.
Coding change: c.4935G>A on transcript NM_003482.4 (MANE Select); coding-DNA position 4935, G replaced by A.
Protein change: p.Leu1645=; no amino-acid change (leucine 1645 retained).
Molecular consequence: synonymous variant.
Genome position (GRCh38, 1-based): chr12:49,044,772, C>T on the plus strand (G>A on the coding strand, the complement: KMT2D is on the minus strand). VCF-style: chr12-49044772-C-T. GRCh37 (hg19) VCF-style: chr12-49438555-C-T.
Identifiers: ClinVar variation 1223425 (VCV001223425.13), dbSNP rs368977026, ClinGen allele CA6547685.

ClinVar aggregate classification (germline): Benign/Likely benign. Review status: criteria provided, multiple submitters, no conflicts (2 of 4 stars). 3 submissions from 3 submitters: Benign (1); Likely benign (1). 1 of the submissions does not count toward it. Last evaluated 2026-02-01.

Conditions:
KMT2D-related disorder. Also called: KMT2D-Related Disorders.
Kabuki syndrome. Also called: NIIKAWA-KUROKI SYNDROME; Kabuki make-up syndrome. Identifiers: Orphanet 2322, MedGen C0796004, MONDO:0016512.

Allele frequency attached by ClinVar (database versions not stated): gnomAD exomes 0.00003 and 0.00006; ExAC 0.00007; gnomAD 0.00029 and 0.00031; ESP Exome Variant Server 0.00032; TOPMed 0.00034; 1000 Genomes Project 30x 0.00047; 1000 Genomes Project 0.00060.
gnomAD v4.1: 81 of 1,613,938 alleles (0.005%); highest among the groups gnomAD compares: African/African-American, 0.1%; no homozygotes.

Submissions (3):

Labcorp Genetics (formerly Invitae), Labcorp
Classification: Benign for Kabuki syndrome. Last evaluated: 2026-02-01. Review status: criteria provided, single submitter. Criteria: Invitae Variant Classification Sherloc (09022015). Collection method: clinical testing. Allele origin: germline.

GeneDx
Classification: Likely benign. Last evaluated: 2020-12-01. Review status: criteria provided, single submitter. Criteria: GeneDx Variant Classification Process June 2021. Collection method: clinical testing. Allele origin: germline. Affected: yes.

PreventionGenetics, part of Exact Sciences
Classification: Likely benign for KMT2D-related condition. Last evaluated: 2022-09-23. Review status: no assertion criteria provided. Collection method: clinical testing. Allele origin: germline. Not counted in ClinVar's aggregate classification.
Comment: This variant is classified as likely benign based on ACMG/AMP sequence variant interpretation guidelines (Richards et al. 2015 PMID: 25741868, with internal and published modifications).